The following is an entry in ClinVar:

ClinVar aggregate classification (germline): Uncertain significance (1 of 4 stars; one submission).

gnomAD v4.1: 6 of 1,614,202 alleles (0.00037%); highest among the groups gnomAD compares: South Asian, 0.0066%; no homozygotes.

Submission:

Ambry Genetics
Classification: Uncertain significance. Last evaluated: 2022-11-25. Review status: criteria provided, single submitter. Criteria: Ambry Variant Classification Scheme 2023. Collection method: clinical testing. Allele origin: germline.
Comment: The p.T606N variant (also known as c.1817C>A), located in coding exon 3 of the ALPK2 gene, results from a C to A substitution at nucleotide position 1817. The threonine at codon 606 is replaced by asparagine, an amino acid with similar properties. This amino acid position is conserved. In addition, this alteration is predicted to be tolerated by in silico analysis. Since supporting evidence is limited at this time, the clinical significance of this alteration remains unclear.

NM_052947.4(ALPK2):c.1817C>A (p.Thr606Asn)

Gene: ALPK2 (alpha kinase 2; minus strand). Cytogenetic location: 18q21.31.
Variant type: single nucleotide variant.
Coding change: c.1817C>A on transcript NM_052947.4 (MANE Select); coding-DNA position 1817, C replaced by A.
Protein change: p.Thr606Asn; replaces threonine 606 with asparagine.
Molecular consequence: missense variant.
Genome position (GRCh38, 1-based): chr18:58,578,959, G>T on the plus strand (C>A on the coding strand, the complement: ALPK2 is on the minus strand). VCF-style: chr18-58578959-G-T. GRCh37 (hg19) VCF-style: chr18-56246191-G-T.
Other names: short protein forms T606N.
Identifiers: ClinVar variation 2497253 (VCV002497253.2), dbSNP rs777477577, ClinGen allele CA8977188.